The following is an entry in ClinVar:

ClinVar aggregate classification (germline): Uncertain significance (1 of 4 stars; one submission).

gnomAD v4.1: 1 of 1,582,472 alleles (0.000063%); highest among the groups gnomAD compares: Non-Finnish European, 0.000086%; no homozygotes.

Submission:

Ambry Genetics
Classification: Uncertain significance. Last evaluated: 2025-01-08. Review status: criteria provided, single submitter. Criteria: Ambry Variant Classification Scheme 2023. Collection method: clinical testing. Allele origin: germline.
Comment: The p.F1937L variant (also known as c.5809T>C), located in coding exon 23 of the WNK2 gene, results from a T to C substitution at nucleotide position 5809. The phenylalanine at codon 1937 is replaced by leucine, an amino acid with highly similar properties. This amino acid position is conserved. In addition, this alteration is predicted to be tolerated by in silico analysis. Based on the available evidence, the clinical significance of this variant remains unclear.

NM_006648.4(WNK2):c.5809T>C (p.Phe1937Leu)

Gene: WNK2 (WNK lysine deficient protein kinase 2; plus strand). Cytogenetic location: 9q22.31.
Variant type: single nucleotide variant.
Coding change: c.5809T>C on transcript NM_006648.4 (MANE Select); coding-DNA position 5809, T replaced by C.
Protein change: p.Phe1937Leu; replaces phenylalanine 1937 with leucine.
Molecular consequence: missense variant.
Genome position (GRCh38, 1-based): chr9:93,297,953, T>C. VCF-style: chr9-93297953-T-C. GRCh37 (hg19) VCF-style: chr9-96060235-T-C.
Other names: c.5920T>C, p.Phe1974Leu (NM_001282394.3); short protein forms F1974L, F1937L.
Identifiers: ClinVar variation 3816777 (VCV003816777.1).
Genomic context (GRCh38, chr9:93,297,953, plus strand): 5'-CAGGAGATCGAAGCTCTGTACCGCCGCCTGGGCAAGCCACTGCCCCCCAACGTGGGCTTC[T>C]TCCACACGGCACCCCCCACTGGCCGCCGGAGAAAAACCAGCAAGAGCAAGCTGAAGGCAG-3'
Protein context (NP_006639.3, residues 1927-1947): GKPLPPNVGF[Phe1937Leu]HTAPPTGRRR